The following is an entry in ClinVar:

ClinVar aggregate classification (germline): Uncertain significance. Review status: criteria provided, multiple submitters, no conflicts (2 of 4 stars). 2 submissions from 2 submitters: Uncertain significance (2). Last evaluated 2025-03-25.

Conditions:
Age related macular degeneration 1 (ARMD1). Also called: MACULOPATHY, AGE-RELATED, 1. Identifiers: MedGen C1864205, MONDO:0011285, OMIM 603075.

Allele frequency attached by ClinVar (database versions not stated): gnomAD 0.00002; TOPMed 0.00003; ExAC 0.00007.
gnomAD v4.1: 63 of 1,612,476 alleles (0.0039%); highest among the groups gnomAD compares: Non-Finnish European, 0.0045%; no homozygotes.

Submissions (2):

Labcorp Genetics (formerly Invitae), Labcorp
Classification: Uncertain significance. Last evaluated: 2025-03-25. Review status: criteria provided, single submitter. Criteria: Invitae Variant Classification Sherloc (09022015). Collection method: clinical testing. Allele origin: germline.
Comment: This sequence change replaces arginine, which is basic and polar, with cysteine, which is neutral and slightly polar, at codon 3191 of the HMCN1 protein (p.Arg3191Cys). This variant is present in population databases (rs200605337, gnomAD 0.006%). This missense change has been observed in individual(s) with clinical features of retinal dystrophy (PMID: 36924516). ClinVar contains an entry for this variant (Variation ID: 1934405). An algorithm developed to predict the effect of missense changes on protein structure and function (PolyPhen-2) suggests that this variant is likely to be disruptive. In summary, the available evidence is currently insufficient to determine the role of this variant in disease. Therefore, it has been classified as a Variant of Uncertain Significance.

Juno Genomics, Hangzhou Juno Genomics, Inc
Classification: Uncertain significance for Age related macular degeneration 1. Review status: criteria provided, single submitter. Criteria: ACMG Guidelines, 2015. Collection method: clinical testing. Allele origin: germline. Affected: yes.
Comment: Absent from controls (or at extremely low frequency if recessive) in Genome Aggregation Database, Exome Sequencing Project, 1000 Genomes Project, or Exome Aggregation Consortium.;Patient's phenotype or family history is highly specific for a disease with a single genetic etiology.

Literature cited by the submitters: PubMed 36924516 (cited by Labcorp Genetics (formerly Invitae), Labcorp).

NM_031935.3(HMCN1):c.9571C>T (p.Arg3191Cys)

Gene: HMCN1 (hemicentin 1; plus strand). Cytogenetic location: 1q31.1.
Variant type: single nucleotide variant.
Coding change: c.9571C>T on transcript NM_031935.3 (MANE Select); coding-DNA position 9571, C replaced by T.
Protein change: p.Arg3191Cys; replaces arginine 3191 with cysteine.
Molecular consequence: missense variant.
Genome position (GRCh38, 1-based): chr1:186,088,270, C>T. VCF-style: chr1-186088270-C-T. GRCh37 (hg19) VCF-style: chr1-186057402-C-T.
Other names: short protein forms R3191C.
Identifiers: ClinVar variation 1934405 (VCV001934405.7), dbSNP rs200605337, ClinGen allele CA1293462.
Genomic context (GRCh38, chr1:186,088,270, plus strand): 5'-TTAACATGTGATGCCACTGGGATCCCACCTCCCACGATAGCATGGTTAAAGAACCACAAG[C>T]GCATAGGTAAGGCAACCATGCATTTTTGTGTGTGTGTGTGTTTTTTTCTCTTGCTCTTAA-3'
Protein context (NP_114141.2, residues 3181-3201): PTIAWLKNHK[Arg3191Cys]IENSDSLEVR